The following is an entry in ClinVar:

NM_000354.6(SERPINA7):c.1117_1118delinsCAG (p.Ser373fs)

Gene: SERPINA7 (serpin family A member 7; minus strand). Cytogenetic location: Xq22.3.
Variant type: Indel.
Coding change: c.1117_1118delinsCAG on transcript NM_000354.6 (MANE Select); coding-DNA positions 1117 to 1118, TC replaced by CAG.
Protein change: p.Ser373fs; shifts the reading frame from serine 373.
Molecular consequence: frameshift variant.
Genome position (GRCh38, 1-based): chrX:106,033,630-106,033,631, GA replaced by CTG on the plus strand (TC replaced by CAG on the coding strand, the reverse complement: SERPINA7 is on the minus strand). VCF-style: chrX-106033630-GA-CTG. GRCh37 (hg19) VCF-style: chrX-105277621-GA-CTG.
Other names: short protein forms S373fs.
Identifiers: ClinVar variation 4075315 (VCV004075315.1).
Genomic context (GRCh38, chrX:106,033,630, plus strand): 5'-AACATGAAAGATCTATCAATTTGGATAATAGGGTGTAGGAAAGTGTTTTCAGGCTGATCC[GA>CTG]AAGTTCAACTTCAGGGACAGCTGCAGCTTCAGTTCCCTTTTCACCAATGTGCAGCACAGC-3'

ClinVar aggregate classification (germline): Pathogenic (1 of 4 stars; one submission).

Conditions:
Thyroxine-binding globulin deficiency. Identifiers: MedGen C1839141.

Submission:

Radiation Medicine Centre, Bhabha Atomic Research Centre
Classification: Pathogenic for Thyroxine-binding globulin deficiency. Last evaluated: 2025-03-10. Review status: criteria provided, single submitter. Criteria: ACMG Guidelines, 2015. Collection method: case-control. Allele origin: germline. Inheritance: X-linked recessive inheritance. Affected: yes. Observed: 1 hemizygote.
Comment: This novel variant in the SERPINA7 gene in a frameshift and premature stop codon, predicted to cause loss of function. Loss-of-function is a well-established mechanism for TBG deficiency. The variant was identified in two unrelated Indian families. Hemizygous males showed complete absence of TBG in serum, while heterozygous females had detectable but subnormal TBG levels, consistent with X-linked inheritance. The variant is absent from population databases (gnomAD, 1000 Genomes) and not previously reported in ClinVar or HGMD. Based on ACMG/AMP guidelines, this variant is classified as Pathogenic, meeting the criteria: PVS1 (null variant in LoF gene), PM2 (absent from controls), PP1 (segregation in multiple unrelated families), and PP4 (phenotype consistent with TBG deficiency).

Literature cited by the submitters: DOI 10.1007/s40618-021-01697-z.